The following is an entry in ClinVar:

NM_133510.4(RAD51B):c.29G>A (p.Gly10Asp)

Gene: RAD51B (RAD51 paralog B; plus strand). Cytogenetic location: 14q24.1.
Variant type: single nucleotide variant.
Coding change: c.29G>A on transcript NM_133510.4 (MANE Select); coding-DNA position 29, G replaced by A.
Protein change: p.Gly10Asp; replaces glycine 10 with aspartic acid.
Molecular consequence: missense variant. On other transcripts: 5 prime UTR variant (1).
Genome position (GRCh38, 1-based): chr14:67,823,572, G>A. VCF-style: chr14-67823572-G-A. GRCh37 (hg19) VCF-style: chr14-68290289-G-A.
Other names: c.29G>A, p.Gly10Asp (NM_001321809.2, NM_001321810.2, NM_001321812.1 and 6 more transcripts); c.-427G>A (NM_001321817.2); short protein forms G10D.
Identifiers: ClinVar variation 3786414 (VCV003786414.1).

ClinVar aggregate classification (germline): Uncertain significance (1 of 4 stars; one submission).

gnomAD v4.1: 6 of 1,613,618 alleles (0.00037%); highest among the groups gnomAD compares: African/African-American, 0.0013%; no homozygotes.

Submission:

Ambry Genetics
Classification: Uncertain significance. Last evaluated: 2025-01-10. Review status: criteria provided, single submitter. Criteria: Ambry Variant Classification Scheme 2023. Collection method: clinical testing. Allele origin: germline.
Comment: The p.G10D variant (also known as c.29G>A), located in coding exon 1 of the RAD51B gene, results from a G to A substitution at nucleotide position 29. The glycine at codon 10 is replaced by aspartic acid, an amino acid with similar properties. This amino acid position is conserved. In addition, the in silico prediction for this alteration is inconclusive. Based on the available evidence, the clinical significance of this variant remains unclear.